The following is an entry in ClinVar:

ClinVar aggregate classification (germline): Uncertain significance (1 of 4 stars; one submission).

Submission:

Women's Health and Genetics/Laboratory Corporation of America, LabCorp
Classification: Uncertain significance. Last evaluated: 2023-11-09. Review status: criteria provided, single submitter. Criteria: LabCorp Variant Classification Summary - May 2015. Collection method: clinical testing. Allele origin: germline.
Comment: Variant summary: CDH23 c.334G>C (p.Gly112Arg) results in a non-conservative amino acid change in the encoded protein sequence. Four of five in-silico tools predict a damaging effect of the variant on protein function. Consensus agreement among computation tools predict no significant impact on normal splicing. However, these predictions have yet to be confirmed by functional studies. The variant was absent in 249268 control chromosomes (gnomAD). The available data on variant occurrences in the general population are insufficient to allow any conclusion about variant significance. c.334G>C has been reported in the literature in at least one individual affected with hearing loss (Usami_2022). These data do not allow any conclusion about variant significance. To our knowledge, no experimental evidence demonstrating an impact on protein function has been reported. The following publication have been ascertained in the context of this evaluation (PMID: 35020051). No submitters have cited clinical-significance assessments for this variant to ClinVar after 2014. Based on the evidence outlined above, the variant was classified as uncertain significance.

Literature cited by the submitters: PubMed 35020051.

NM_022124.6(CDH23):c.334G>C (p.Gly112Arg)

Genes: CDH23 (cadherin related 23; plus strand), CDH23-AS1 (CDH23 antisense RNA 1; minus strand). Cytogenetic location: 10q22.1.
Variant type: single nucleotide variant.
Coding change: c.334G>C on transcript NM_022124.6 (MANE Select); coding-DNA position 334, G replaced by C.
Protein change: p.Gly112Arg; replaces glycine 112 with arginine.
Molecular consequence: missense variant.
Genome position (GRCh38, 1-based): chr10:71,510,999, G>C. VCF-style: chr10-71510999-G-C. GRCh37 (hg19) VCF-style: chr10-73270756-G-C.
Other names: c.334G>C, p.Gly112Arg (NM_001171930.2, NM_001171931.2, NM_001171932.2 and 1 more transcripts); short protein forms G112R.
Identifiers: ClinVar variation 2682434 (VCV002682434.1), dbSNP rs1431164164, ClinGen allele CA377115777.